The following is an entry in ClinVar:

ClinVar aggregate classification (germline): Uncertain significance. Review status: criteria provided, multiple submitters, no conflicts (2 of 4 stars). 3 submissions from 3 submitters: Uncertain significance (2). 1 of the submissions does not count toward it. Last evaluated 2025-11-23.

Conditions:
Duchenne muscular dystrophy (DMD). Also called: MUSCULAR DYSTROPHY, PSEUDOHYPERTROPHIC PROGRESSIVE, DUCHENNE TYPE; Duchenne Muscular Dystrophy (DMD). Identifiers: Orphanet 98896, MedGen C0013264, MONDO:0010679, OMIM 310200.
Dystrophin deficiency.
Becker muscular dystrophy (BMD). Also called: MUSCULAR DYSTROPHY, PSEUDOHYPERTROPHIC PROGRESSIVE, BECKER TYPE; Becker Muscular Dystrophy (BMD). Identifiers: Orphanet 98895, MedGen C0917713, MONDO:0010311, OMIM 300376.
Cardiomyopathy (CMYO). Also called: Cardiomyopathies. Identifiers: Orphanet 167848, MedGen C0878544, MONDO:0004994, HP:0001638. Inheritance: Various modes of inheritance.

Allele frequency attached by ClinVar (database versions not stated): gnomAD 0.00003; TOPMed 0.00003.
gnomAD v4.1: 3 of 1,205,910 alleles (0.00025%); highest among the groups gnomAD compares: African/African-American, 0.0052%; no homozygotes.

Submissions (3):

Labcorp Genetics (formerly Invitae), Labcorp
Classification: Uncertain significance for Duchenne muscular dystrophy. Last evaluated: 2025-11-23. Review status: criteria provided, single submitter. Criteria: Invitae Variant Classification Sherloc (09022015). Collection method: clinical testing. Allele origin: germline.
Comment: This sequence change replaces glutamine, which is neutral and polar, with arginine, which is basic and polar, at codon 2518 of the DMD protein (p.Gln2518Arg). This variant is present in population databases (no rsID available, gnomAD 0.02%). This variant has not been reported in the literature in individuals affected with DMD-related conditions. ClinVar contains an entry for this variant (Variation ID: 967759). Invitae Evidence Modeling of protein sequence and biophysical properties (such as structural, functional, and spatial information, amino acid conservation, physicochemical variation, residue mobility, and thermodynamic stability) indicates that this missense variant is not expected to disrupt DMD protein function with a negative predictive value of 95%. In summary, the available evidence is currently insufficient to determine the role of this variant in disease. Therefore, it has been classified as a Variant of Uncertain Significance.

Women's Health and Genetics/Laboratory Corporation of America, LabCorp
Classification: Uncertain significance. Last evaluated: 2024-12-20. Review status: criteria provided, single submitter. Criteria: LabCorp Variant Classification Summary - May 2015. Collection method: clinical testing. Allele origin: germline.

Natera, Inc.
Classification: Uncertain significance for Becker muscular dystrophy; Cardiomyopathy; Duchenne muscular dystrophy; Dystrophin deficiency. Last evaluated: 2019-01-28. Review status: no assertion criteria provided. Collection method: clinical testing. Allele origin: germline. Not counted in ClinVar's aggregate classification.

NM_004006.3(DMD):c.7553A>G (p.Gln2518Arg)

Gene: DMD (dystrophin; minus strand). Cytogenetic location: Xp21.1.
Variant type: single nucleotide variant.
Coding change: c.7553A>G on transcript NM_004006.3 (MANE Select); coding-DNA position 7553, A replaced by G.
Protein change: p.Gln2518Arg; replaces glutamine 2518 with arginine.
Molecular consequence: missense variant.
Genome position (GRCh38, 1-based): chrX:31,729,738, T>C on the plus strand (A>G on the coding strand, the complement: DMD is on the minus strand). VCF-style: chrX-31729738-T-C. GRCh37 (hg19) VCF-style: chrX-31747855-T-C.
Other names: c.7529A>G, p.Gln2510Arg (NM_000109.4); c.7541A>G, p.Gln2514Arg (NM_004009.3); c.7184A>G, p.Gln2395Arg (NM_004010.3); c.3530A>G, p.Gln1177Arg (NM_004011.4); c.3521A>G, p.Gln1174Arg (NM_004012.4); c.173A>G, p.Gln58Arg (NM_004013.3, NM_004020.4, NM_004021.3 and 2 more transcripts); short protein forms Q2395R, Q1177R, Q58R, Q1174R, Q2518R, Q2510R, Q2514R.
Identifiers: ClinVar variation 967759 (VCV000967759.12), dbSNP rs1242923274, ClinGen allele CA412657712.